The following is an entry in ClinVar:

NM_001206927.2(DNAH8):c.12269C>T (p.Thr4090Ile)

Genes: DNAH8 (dynein axonemal heavy chain 8; plus strand), DNAH8-AS1 (DNAH8 antisense RNA 1; minus strand). Cytogenetic location: 6p21.2.
Variant type: single nucleotide variant.
Coding change: c.12269C>T on transcript NM_001206927.2 (MANE Select); coding-DNA position 12269, C replaced by T.
Protein change: p.Thr4090Ile; replaces threonine 4090 with isoleucine.
Molecular consequence: missense variant.
Genome position (GRCh38, 1-based): chr6:38,951,338, C>T. VCF-style: chr6-38951338-C-T. GRCh37 (hg19) VCF-style: chr6-38919114-C-T.
Other names: c.11618C>T, p.Thr3873Ile (NM_001371.4); short protein forms T3873I, T4090I.
Identifiers: ClinVar variation 643441 (VCV000643441.9), dbSNP rs1583440880, ClinGen allele CA363996594.

ClinVar aggregate classification (germline): Uncertain significance (1 of 4 stars; one submission).

Conditions:
Primary ciliary dyskinesia. Also called: Ciliary dyskinesia. Identifiers: Orphanet 244, MedGen C0008780, MONDO:0016575, HP:0012265.

Allele frequency attached by ClinVar (database versions not stated): gnomAD exomes below 0.00001.
gnomAD v4.1: 2 of 1,614,136 alleles (0.00012%); highest among the groups gnomAD compares: Non-Finnish European, 0.00017%; no homozygotes.

Submission:

Labcorp Genetics (formerly Invitae), Labcorp
Classification: Uncertain significance for Primary ciliary dyskinesia. Last evaluated: 2019-10-10. Review status: criteria provided, single submitter. Criteria: Invitae Variant Classification Sherloc (09022015). Collection method: clinical testing. Allele origin: germline.
Comment: This sequence change replaces threonine with isoleucine at codon 4090 of the DNAH8 protein (p.Thr4090Ile). The threonine residue is highly conserved and there is a moderate physicochemical difference between threonine and isoleucine. In summary, the available evidence is currently insufficient to determine the role of this variant in disease. Therefore, it has been classified as a Variant of Uncertain Significance. Algorithms developed to predict the effect of missense changes on protein structure and function are either unavailable or do not agree on the potential impact of this missense change (SIFT: "Deleterious"; PolyPhen-2: "Not Available"; Align-GVGD: "Class C0"). This variant has not been reported in the literature in individuals with DNAH8-related disease. This variant is not present in population databases (ExAC no frequency).